The following is an entry in ClinVar:

NM_000053.4(ATP7B):c.1694A>G (p.Asn565Ser)

Gene: ATP7B (ATPase copper transporting beta; minus strand). Cytogenetic location: 13q14.3.
Variant type: single nucleotide variant.
Coding change: c.1694A>G on transcript NM_000053.4 (MANE Select); coding-DNA position 1694, A replaced by G.
Protein change: p.Asn565Ser; replaces asparagine 565 with serine.
Molecular consequence: missense variant.
Genome position (GRCh38, 1-based): chr13:51,968,457, T>C on the plus strand (A>G on the coding strand, the complement: ATP7B is on the minus strand). VCF-style: chr13-51968457-T-C. GRCh37 (hg19) VCF-style: chr13-52542593-T-C.
Other names: c.1694A>G, p.Asn565Ser (NM_001005918.3, NM_001330578.2, NM_001330579.2); c.1361A>G, p.Asn454Ser (NM_001243182.2); short protein forms N565S, N454S.
Identifiers: ClinVar variation 617909 (VCV000617909.6), dbSNP rs778475094, ClinGen allele CA6989273.

ClinVar aggregate classification (germline): Conflicting classifications of pathogenicity. Review status: criteria provided, conflicting classifications (1 of 4 stars). 3 submissions from 3 submitters: Uncertain significance (2); Likely benign (1). Last evaluated 2025-08-07.

Conditions:
Wilson disease (WND). Also called: Wilson's disease. Identifiers: Orphanet 905, MedGen C0019202, MONDO:0010200, OMIM 277900. Disease mechanism: loss of function.

Allele frequency attached by ClinVar (database versions not stated): ExAC 0.00001; gnomAD 0.00001; gnomAD exomes 0.00001; TOPMed 0.00001.
gnomAD v4.1: 5 of 1,614,092 alleles (0.00031%); highest among the groups gnomAD compares: Non-Finnish European, 0.00034%; no homozygotes.

Submissions (3):

Labcorp Genetics (formerly Invitae), Labcorp
Classification: Uncertain significance for Wilson disease. Last evaluated: 2025-08-07. Review status: criteria provided, single submitter. Criteria: Invitae Variant Classification Sherloc (09022015). Collection method: clinical testing. Allele origin: germline.
Comment: This sequence change replaces asparagine, which is neutral and polar, with serine, which is neutral and polar, at codon 565 of the ATP7B protein (p.Asn565Ser). This variant is present in population databases (rs778475094, gnomAD 0.0009%). This variant has not been reported in the literature in individuals affected with ATP7B-related conditions. ClinVar contains an entry for this variant (Variation ID: 617909). Invitae Evidence Modeling of protein sequence and biophysical properties (such as structural, functional, and spatial information, amino acid conservation, physicochemical variation, residue mobility, and thermodynamic stability) indicates that this missense variant is not expected to disrupt ATP7B protein function with a negative predictive value of 80%. In summary, the available evidence is currently insufficient to determine the role of this variant in disease. Therefore, it has been classified as a Variant of Uncertain Significance.

All of Us Research Program, National Institutes of Health
Classification: Uncertain significance for Wilson disease. Last evaluated: 2024-07-20. Review status: criteria provided, single submitter. Criteria: ACMG Guidelines, 2015. Collection method: clinical testing. Allele origin: germline. Inheritance: Autosomal recessive inheritance. Observed: 1 variant allele, 1 heterozygote.
Comment: This missense variant replaces asparagine with serine at codon 565 of the ATP7B protein. Computational prediction suggests that this variant may not impact protein structure and function. To our knowledge, functional studies have not been reported for this variant. This variant has not been reported in individuals affected with ATP7B-related disorders in the literature. This variant has been identified in 2/249552 chromosomes in the general population by the Genome Aggregation Database (gnomAD). The available evidence is insufficient to determine the role of this variant in disease conclusively. Therefore, this variant is classified as a Variant of Uncertain Significance.

This study involves interpretation of variants in research participants for the purpose of population health screening. Participant phenotype was not available at the time of variant classification. Additional details can be found in publication PMID: 35346344, PMCID: PMC8962531

SIB Swiss Institute of Bioinformatics
Classification: Likely benign for Wilson disease. Last evaluated: 2018-10-15. Review status: criteria provided, single submitter. Criteria: ACMG Guidelines, 2015. Collection method: curation. Allele origin: germline.
Comment: This variant is interpreted as Likely Benign, for Wilson disease, autosomal recessive. The following ACMG Tag(s) were applied: BP4 => Multiple lines of computational evidence suggest no impact on gene or gene product (conservation, evolutionary, splicing impact, etc.). BP2 => Observed in trans with a pathogenic variant for a fully penetrant dominant gene/disorder or observed in cis with a pathogenic variant in any inheritance pattern (PubMed 9482578).

Literature cited by the submitters: PubMed 9482578 (cited by SIB Swiss Institute of Bioinformatics).